The following is an entry in ClinVar:

NM_004606.5(TAF1):c.1877T>C (p.Phe626Ser)

Gene: TAF1 (TATA-box binding protein associated factor 1; plus strand). Cytogenetic location: Xq13.1.
Variant type: single nucleotide variant.
Coding change: c.1877T>C on transcript NM_004606.5 (MANE Select); coding-DNA position 1877, T replaced by C.
Protein change: p.Phe626Ser; replaces phenylalanine 626 with serine.
Molecular consequence: missense variant. On other transcripts: non-coding transcript variant (9).
Genome position (GRCh38, 1-based): chrX:71,383,094, T>C. VCF-style: chrX-71383094-T-C. GRCh37 (hg19) VCF-style: chrX-70602944-T-C.
Other names: c.1877T>C, p.Phe626Ser (NM_001286074.2); c.1814T>C, p.Phe605Ser (NM_138923.4); short protein forms F605S, F626S.
Identifiers: ClinVar variation 2581916 (VCV002581916.1), dbSNP rs2520225119, ClinGen allele CA413514992.

ClinVar aggregate classification (germline): Uncertain significance (1 of 4 stars; one submission).

Submission:

GeneDx
Classification: Uncertain significance. Last evaluated: 2023-09-28. Review status: criteria provided, single submitter. Criteria: GeneDx Variant Classification Process June 2021. Collection method: clinical testing. Allele origin: germline. Affected: yes.
Comment: Not observed at significant frequency in large population cohorts (gnomAD); In silico analysis supports that this missense variant does not alter protein structure/function; Has not been previously published as pathogenic or benign to our knowledge